The following is an entry in ClinVar:

ClinVar aggregate classification (germline): Benign/Likely benign. Review status: criteria provided, multiple submitters, no conflicts (2 of 4 stars). 4 submissions from 4 submitters: Benign (1); Likely benign (3). Last evaluated 2025-02-19.

Conditions:
Breast-ovarian cancer, familial, susceptibility to, 3. Also called: RAD51C-Related Breast/Ovarian Cancer. Identifiers: Orphanet 145, MedGen C3150659, MONDO:0013253, OMIM 613399.
Hereditary cancer-predisposing syndrome. Also called: Tumor predisposition; Hereditary neoplastic syndrome; Neoplastic Syndromes, Hereditary; Hereditary Cancer Syndrome. Identifiers: Orphanet 140162, MedGen C0027672, MeSH D009386, MONDO:0015356.
Fanconi anemia complementation group O. Also called: RAD51C-Related Fanconi Anemia. Identifiers: Orphanet 84, MedGen C3150653, MONDO:0013248, OMIM 613390.

Submissions (4):

Myriad Genetics, Inc.
Classification: Benign for Breast-ovarian cancer, familial, susceptibility to, 3. Last evaluated: 2025-02-19. Review status: criteria provided, single submitter. Criteria: Myriad Autosomal Dominant, Autosomal Recessive and X-Linked Classification Criteria (2023). Collection method: clinical testing. Allele origin: unknown.
Comment: This variant is considered benign. This variant is a silent/synonymous amino acid change and it is not expected to impact splicing.

Labcorp Genetics (formerly Invitae), Labcorp
Classification: Likely benign for Fanconi anemia complementation group O. Last evaluated: 2025-02-06. Review status: criteria provided, single submitter. Criteria: Invitae Variant Classification Sherloc (09022015). Collection method: clinical testing. Allele origin: germline.

Ambry Genetics
Classification: Likely benign for Hereditary cancer-predisposing syndrome. Last evaluated: 2022-02-03. Review status: criteria provided, single submitter. Criteria: Ambry Variant Classification Scheme 2023. Collection method: clinical testing. Allele origin: germline.

Color Diagnostics, LLC DBA Color Health
Classification: Likely benign for Hereditary cancer-predisposing syndrome. Last evaluated: 2018-11-27. Review status: criteria provided, single submitter. Criteria: ACMG Guidelines, 2015. Collection method: clinical testing. Allele origin: germline.

NM_058216.3(RAD51C):c.1108C>A (p.Arg370=)

Gene: RAD51C (RAD51 paralog C; plus strand). Cytogenetic location: 17q22.
Variant type: single nucleotide variant.
Coding change: c.1108C>A on transcript NM_058216.3 (MANE Select); coding-DNA position 1108, C replaced by A.
Protein change: p.Arg370=; no amino-acid change (arginine 370 retained).
Molecular consequence: synonymous variant. On other transcripts: non-coding transcript variant (1).
Genome position (GRCh38, 1-based): chr17:58,734,199, C>A. VCF-style: chr17-58734199-C-A. GRCh37 (hg19) VCF-style: chr17-56811560-C-A.
Identifiers: ClinVar variation 927537 (VCV000927537.14), dbSNP rs756744016, ClinGen allele CA8677414.
Genomic context (GRCh38, chr17:58,734,199, plus strand): 5'-GTTGTTACTTCTGCATGTTCATTGCAAACAGAAGGTTCCTTGAGCACCCGGAAACGGTCA[C>A]GAGACCCAGAGGAAGAATTATAACCCAGAAACAAATCTCAAAGTGTACAAATTTATTGAT-3'
Protein context (NP_478123.1, residues 360-376): EGSLSTRKRS[Arg370=]DPEEEL